The following is an entry in ClinVar:

GRCh38/hg38 5q35.2-35.3(chr5:176447531-177312407)x1

Genes: CDHR2 (cadherin related family member 2; plus strand), EIF4E1B (eukaryotic translation initiation factor 4E family member 1B; plus strand), FAF2 (Fas associated factor family member 2; plus strand), FGFR4 (fibroblast growth factor receptor 4; plus strand), GPRIN1 (G protein regulated inducer of neurite outgrowth 1; minus strand) and 62 more. Cytogenetic location: 5q35.2-35.3.
Variant type: copy number loss.
Change: copy number 1 (one copy instead of two) of chr5:176,447,531-177,312,407 (864.9 kb, GRCh38 coordinates, 1-based), cytogenetic band 5q35.2-35.3.
Identifiers: ClinVar variation 2579264 (VCV002579264.1).

ClinVar aggregate classification (germline): Pathogenic (1 of 4 stars; one submission).

Conditions:
Sotos syndrome (SOTOS). Also called: Sotos' syndrome; Distinctive facial appearance, overgrowth in childhood, and learning disabilities or delayed development; CEREBRAL GIGANTISM; CHROMOSOME 5q35 DELETION SYNDROME; SOTOS SYNDROME 1. Identifiers: Orphanet 821, MedGen C0175695, MONDO:0019349, OMIM 117550.

Submission:

Broad Center for Mendelian Genomics, Broad Institute of MIT and Harvard
Classification: Pathogenic for Sotos syndrome. Last evaluated: 2023-08-24. Review status: criteria provided, single submitter. Criteria: ACMG/ClinGen CNV Guidelines, 2019. Collection method: research. Allele origin: unknown. Inheritance: Autosomal dominant inheritance. Affected: yes.
Comment: Inheritance information is unavailable. These breakpoints have been estimated by exome sequencing only and therefore may not reflect the true breakpoints. The patient phenotype is nonspecific, but is consistent with cases described in the literature and/or published databases with overlapping variants. There is complete overlap with the NSD1 gene, which is known to be haploinsufficient and has been assessed by the ClinGen Dosage Sensitivity Working Group. In summary, this variant meets criteria to be classified as pathogenic for autosomal dominant Sotos syndrome. The ACMG/ClinGen evidence codes and points used in this curation are as follows: 1: 0 points, 2: 0.90 points, 3: 0 points, 4-5: 0.1 points; Total: 1.1 points; Riggs 2020 (PMID: 31690835).